The following is an entry in ClinVar:

NM_024513.4(FYCO1):c.3307C>T (p.Gln1103Ter)

Gene: FYCO1 (FYVE and coiled-coil domain autophagy adaptor 1; minus strand). Cytogenetic location: 3p21.31.
Variant type: single nucleotide variant.
Coding change: c.3307C>T on transcript NM_024513.4 (MANE Select); coding-DNA position 3307, C replaced by T.
Protein change: p.Gln1103Ter; replaces glutamine 1103 with a stop codon.
Molecular consequence: nonsense. On other transcripts: non-coding transcript variant (1).
Genome position (GRCh38, 1-based): chr3:45,962,355, G>A on the plus strand (C>T on the coding strand, the complement: FYCO1 is on the minus strand). VCF-style: chr3-45962355-G-A. GRCh37 (hg19) VCF-style: chr3-46003847-G-A.
Other names: c.3307C>T, p.Gln1103Ter (NM_001386421.1, NM_001386422.1, NM_001386423.1 and 4 more transcripts); c.3187C>T, p.Gln1063Ter (NM_001386426.1); c.3163C>T, p.Gln1055Ter (NM_001386427.1); c.2707C>T, p.Gln903Ter (NM_001386430.1); short protein forms Q1055*, Q1063*, Q1103*, Q903*.
Identifiers: ClinVar variation 1193629 (VCV001193629.2), dbSNP rs2125843413, ClinGen allele CA352451467.

ClinVar aggregate classification (germline): Pathogenic (1 of 4 stars; one submission).

Submission:

GeneDx
Classification: Pathogenic. Last evaluated: 2019-10-01. Review status: criteria provided, single submitter. Criteria: GeneDx Variant Classification Process June 2021. Collection method: clinical testing. Allele origin: germline. Affected: yes.
Comment: Nonsense variant predicted to result in protein truncation or nonsense mediated decay in a gene for which loss-of-function is a known mechanism of disease; Not observed in large population cohorts (Lek et al., 2016); Has not been previously published as pathogenic or benign to our knowledge